The following is an entry in ClinVar:

ClinVar aggregate classification (germline): Pathogenic (1 of 4 stars; one submission).

Conditions:
Duchenne muscular dystrophy (DMD). Also called: MUSCULAR DYSTROPHY, PSEUDOHYPERTROPHIC PROGRESSIVE, DUCHENNE TYPE; Duchenne Muscular Dystrophy (DMD). Identifiers: Orphanet 98896, MedGen C0013264, MONDO:0010679, OMIM 310200.

Submission:

Labcorp Genetics (formerly Invitae), Labcorp
Classification: Pathogenic for Duchenne muscular dystrophy. Last evaluated: 2025-06-04. Review status: criteria provided, single submitter. Criteria: Invitae Variant Classification Sherloc (09022015). Collection method: clinical testing. Allele origin: germline.
Comment: This sequence change creates a premature translational stop signal (p.Val1522*) in the DMD gene. It is expected to result in an absent or disrupted protein product. Loss-of-function variants in DMD are known to be pathogenic (PMID: 16770791, 25007885). This variant is not present in population databases (gnomAD no frequency). This variant has not been reported in the literature in individuals affected with DMD-related conditions. ClinVar contains an entry for this variant (Variation ID: 2864523). For these reasons, this variant has been classified as Pathogenic.

Literature cited by the submitters: PubMed 16770791; PubMed 25007885.

NM_004006.3(DMD):c.4564del (p.Met1521_Val1522insTer)

Gene: DMD (dystrophin; minus strand). Cytogenetic location: Xp21.1.
Variant type: Deletion.
Coding change: c.4564del on transcript NM_004006.3 (MANE Select); coding-DNA position 4564, one base deleted (G; older notation c.4564delG).
Protein change: p.Met1521_Val1522insTer.
Molecular consequence: nonsense.
Genome position (GRCh38, 1-based): chrX:32,386,420, C deleted on the plus strand (G on the coding strand, the reverse complement: DMD is on the minus strand); the first of 2 consecutive C bases (chrX:32,386,420-32,386,421); deleting either gives the same sequence. VCF-style (leftmost placement, unchanged base first): chrX-32386419-AC-A. GRCh37 (hg19) VCF-style: chrX-32404536-AC-A.
Other names: c.4540del, p.Met1513_Val1514insTer (NM_000109.4); c.4552del, p.Met1517_Val1518insTer (NM_004009.3); c.4195del, p.Met1398_Val1399insTer (NM_004010.3); c.541del, p.Met180_Val181insTer (NM_004011.4); c.532del, p.Met177_Val178insTer (NM_004012.4).
Identifiers: ClinVar variation 2864523 (VCV002864523.3), dbSNP rs2523043841, ClinGen allele CA2739273360.